The following is an entry in ClinVar:

NM_000142.5(FGFR3):c.446-4G>T

Gene: FGFR3 (fibroblast growth factor receptor 3; plus strand). Cytogenetic location: 4p16.3.
Variant type: single nucleotide variant.
Coding change: c.446-4G>T on transcript NM_000142.5 (MANE Select); 4 bases into the intron before coding-DNA position 446, G replaced by T.
Molecular consequence: intron variant.
Genome position (GRCh38, 1-based): chr4:1,801,363, G>T. VCF-style: chr4-1801363-G-T. GRCh37 (hg19) VCF-style: chr4-1803090-G-T.
Other names: c.446-4G>T (NM_001163213.2, NM_001354809.2, NM_001354810.2 and 1 more transcripts).
Identifiers: ClinVar variation 4688333 (VCV004688333.1).

ClinVar aggregate classification (germline): Likely benign (1 of 4 stars; one submission).

gnomAD v4.1: 33 of 1,552,416 alleles (0.0021%); highest among the groups gnomAD compares: Non-Finnish European, 0.0026%; no homozygotes.

Submission:

Women's Health and Genetics/Laboratory Corporation of America, LabCorp
Classification: Likely benign. Last evaluated: 2025-12-12. Review status: criteria provided, single submitter. Criteria: LabCorp Variant Classification Summary - May 2015. Collection method: clinical testing. Allele origin: germline.
Comment: Variant summary: FGFR3 c.446-4G>T alters a non-conserved nucleotide located at a position not widely known to affect splicing. Several computational tools predict a significant impact on normal splicing: two predict the variant slightly weakens a 3' acceptor site, while one predicts no significant impact on splicing. However, these predictions have yet to be confirmed by functional studies. The variant allele was found at a frequency of 2.1e-05 in 1545484 control chromosomes (gnomAD). The occurrence in several controls suggests that this variant is likely not associated with a high penetrance, severe, early onset disease phenotype in heterozygous state. To our knowledge, no occurrence of c.446-4G>T in individuals affected with FGFR3-related conditions and no experimental evidence demonstrating its impact on protein function have been reported. No submitters have cited clinical-significance assessments for this variant to ClinVar. Based on the evidence outlined above, the variant was classified as likely benign.